The following is an entry in ClinVar:

ClinVar aggregate classification (germline): Uncertain significance (1 of 4 stars; one submission).

gnomAD v4.1: 3 of 1,613,784 alleles (0.00019%); highest among the groups gnomAD compares: Admixed American, 0.0033%; no homozygotes.

Submission:

Labcorp Genetics (formerly Invitae), Labcorp
Classification: Uncertain significance. Last evaluated: 2024-06-13. Review status: criteria provided, single submitter. Criteria: Invitae Variant Classification Sherloc (09022015). Collection method: clinical testing. Allele origin: germline.
Comment: This sequence change replaces threonine, which is neutral and polar, with alanine, which is neutral and non-polar, at codon 557 of the ASXL1 protein (p.Thr557Ala). This variant is not present in population databases (gnomAD no frequency). This variant has not been reported in the literature in individuals affected with ASXL1-related conditions. Algorithms developed to predict the effect of missense changes on protein structure and function output the following: SIFT: "Not Available"; PolyPhen-2: "Benign"; Align-GVGD: "Not Available". The alanine amino acid residue is found in multiple mammalian species, which suggests that this missense change does not adversely affect protein function. In summary, the available evidence is currently insufficient to determine the role of this variant in disease. Therefore, it has been classified as a Variant of Uncertain Significance.

NM_015338.6(ASXL1):c.1669A>G (p.Thr557Ala)

Gene: ASXL1 (ASXL transcriptional regulator 1; plus strand). Cytogenetic location: 20q11.21.
Variant type: single nucleotide variant.
Coding change: c.1669A>G on transcript NM_015338.6 (MANE Select); coding-DNA position 1669, A replaced by G.
Protein change: p.Thr557Ala; replaces threonine 557 with alanine.
Molecular consequence: missense variant.
Genome position (GRCh38, 1-based): chr20:32,433,867, A>G. VCF-style: chr20-32433867-A-G. GRCh37 (hg19) VCF-style: chr20-31021670-A-G.
Other names: c.1486A>G, p.Thr496Ala (NM_001363734.1); short protein forms T557A, T496A.
Identifiers: ClinVar variation 3715245 (VCV003715245.2).
Genomic context (GRCh38, chr20:32,433,867, plus strand): 5'-GAAAAGAAGCCCCGGCTTGAAGATCGTCAGTCCTTTCGTAACACAATTGAAAGTGTTCAC[A>G]CCGAAAAGCCACAGCCCACTAAAGAGGAGCCCAAAGTCCCGCCCATCCGGGTAGGAGACT-3'
Protein context (NP_056153.2, residues 547-567): SFRNTIESVH[Thr557Ala]EKPQPTKEEP